The following is an entry in ClinVar:

ClinVar aggregate classification (germline): Uncertain significance (1 of 4 stars; one submission).

Conditions:
Rhabdoid tumor predisposition syndrome 2 (RTPS2). Identifiers: Orphanet 231108, Orphanet 69077, MedGen C2750074, MONDO:0013224, OMIM 613325.

gnomAD v4.1: 1 of 1,554,936 alleles (0.000064%); highest among the groups gnomAD compares: South Asian, 0.0012%; no homozygotes.

Submission:

Labcorp Genetics (formerly Invitae), Labcorp
Classification: Uncertain significance for Rhabdoid tumor predisposition syndrome 2. Last evaluated: 2025-10-23. Review status: criteria provided, single submitter. Criteria: Invitae Variant Classification Sherloc (09022015). Collection method: clinical testing. Allele origin: germline.
Comment: This sequence change replaces methionine, which is neutral and non-polar, with leucine, which is neutral and non-polar, at codon 213 of the SMARCA4 protein (p.Met213Leu). This variant is not present in population databases (gnomAD no frequency). This variant has not been reported in the literature in individuals affected with SMARCA4-related conditions. An algorithm developed to predict the effect of missense changes on protein structure and function (PolyPhen-2) suggests that this variant is likely to be tolerated. In summary, the available evidence is currently insufficient to determine the role of this variant in disease. Therefore, it has been classified as a Variant of Uncertain Significance.

NM_003072.5(SMARCA4):c.637A>T (p.Met213Leu)

Gene: SMARCA4 (SWI/SNF related BAF chromatin remodeling complex subunit ATPase 4; plus strand). Cytogenetic location: 19p13.2.
Variant type: single nucleotide variant.
Coding change: c.637A>T on transcript NM_003072.5 (MANE Select); coding-DNA position 637, A replaced by T.
Protein change: p.Met213Leu; replaces methionine 213 with leucine.
Molecular consequence: missense variant. On other transcripts: non-coding transcript variant (1).
Genome position (GRCh38, 1-based): chr19:10,986,470, A>T. VCF-style: chr19-10986470-A-T. GRCh37 (hg19) VCF-style: chr19-11097146-A-T.
Other names: c.637A>T, p.Met213Leu (NM_001128844.3, NM_001128845.2, NM_001128846.2 and 6 more transcripts); short protein forms M213L.
Identifiers: ClinVar variation 4802539 (VCV004802539.1).
Genomic context (GRCh38, chr19:10,986,470, plus strand): 5'-GGGCAGCCCCTCCCCGACCACCTGCAGATGGCGGTGCAGGGCAAGCGGCCGATGCCCGGG[A>T]TGCAGCAGCAGATGCCAACGCTACCTCCACCCTCGGTGTCCGCAACAGGACCCGGCCCTG-3'
Protein context (NP_003063.2, residues 203-223): AVQGKRPMPG[Met213Leu]QQQMPTLPPP